The following is an entry in ClinVar:

ClinVar aggregate classification (germline): Likely benign. Review status: criteria provided, multiple submitters, no conflicts (2 of 4 stars). 2 submissions from 2 submitters: Likely benign (2). Last evaluated 2025-06-29.

Conditions:
Granulomatous disease, chronic, X-linked. Also called: GRANULOMATOUS DISEASE, CHRONIC, X-LINKED, SOMATIC MOSAIC; CYTOCHROME b-NEGATIVE GRANULOMATOUS DISEASE, CHRONIC, X-LINKED. Identifiers: Orphanet 379, MedGen C1844376, MONDO:0010600, OMIM 306400.

Allele frequency attached by ClinVar (database versions not stated): gnomAD 0.00001; gnomAD exomes 0.00001 and 0.00003; TOPMed 0.00001; ExAC 0.00003.
gnomAD v4.1: 7 of 1,204,824 alleles (0.00058%); highest among the groups gnomAD compares: Admixed American, 0.015%; no homozygotes.

Submissions (2):

Labcorp Genetics (formerly Invitae), Labcorp
Classification: Likely benign for Granulomatous disease, chronic, X-linked. Last evaluated: 2025-06-29. Review status: criteria provided, single submitter. Criteria: Invitae Variant Classification Sherloc (09022015). Collection method: clinical testing. Allele origin: germline.

GeneDx
Classification: Likely benign. Last evaluated: 2017-02-01. Review status: criteria provided, single submitter. Criteria: GeneDx Variant Classification (06012015). Collection method: clinical testing. Allele origin: germline. Affected: yes.
Comment: This variant is considered likely benign or benign based on one or more of the following criteria: it is a conservative change, it occurs at a poorly conserved position in the protein, it is predicted to be benign by multiple in silico algorithms, and/or has population frequency not consistent with disease.

NM_000397.4(CYBB):c.1151+19T>G

Gene: CYBB (cytochrome b-245 beta chain; plus strand). Cytogenetic location: Xp11.4.
Variant type: single nucleotide variant.
Coding change: c.1151+19T>G on transcript NM_000397.4 (MANE Select); 19 bases into the intron after coding-DNA position 1151, T replaced by G.
Molecular consequence: intron variant.
Genome position (GRCh38, 1-based): chrX:37,804,149, T>G. VCF-style: chrX-37804149-T-G. GRCh37 (hg19) VCF-style: chrX-37663402-T-G.
Identifiers: ClinVar variation 517733 (VCV000517733.7), dbSNP rs782111012, ClinGen allele CA10383833.
Genomic context (GRCh38, chrX:37,804,149, plus strand): 5'-CTGTGATAAGCAGGAGTTTCAAGATGCGTGGAAACTACCTAAGTGAGTAAAAAGTACATA[T>G]TACCAACGTATATGAGTTCAGGAAAAATGGCACTAAATAGCTCCTCTTCCTCCATGTTTT-3'